The following is an entry in ClinVar:

ClinVar aggregate classification (germline): Uncertain significance (1 of 4 stars; one submission).

Submission:

Labcorp Genetics (formerly Invitae), Labcorp
Classification: Uncertain significance. Last evaluated: 2022-08-08. Review status: criteria provided, single submitter. Criteria: Invitae Variant Classification Sherloc (09022015). Collection method: clinical testing. Allele origin: germline.
Comment: In summary, the available evidence is currently insufficient to determine the role of this variant in disease. Therefore, it has been classified as a Variant of Uncertain Significance. Algorithms developed to predict the effect of missense changes on protein structure and function are either unavailable or do not agree on the potential impact of this missense change (SIFT: "Tolerated"; PolyPhen-2: "Not Available"; Align-GVGD: "Class C0"). This variant has not been reported in the literature in individuals affected with PCLO-related conditions. This variant is not present in population databases (gnomAD no frequency). This sequence change replaces proline, which is neutral and non-polar, with alanine, which is neutral and non-polar, at codon 4938 of the PCLO protein (p.Pro4938Ala).

NM_033026.6(PCLO):c.14812C>G (p.Pro4938Ala)

Genes: PCLO (piccolo presynaptic cytomatrix protein; minus strand), LOC126860089 (MED14-independent group 3 enhancer GRCh37_chr7:82434470-82435669; plus strand). Cytogenetic location: 7q21.11.
Variant type: single nucleotide variant.
Coding change: c.14812C>G on transcript NM_033026.6 (MANE Select); coding-DNA position 14812, C replaced by G.
Protein change: p.Pro4938Ala; replaces proline 4938 with alanine.
Molecular consequence: missense variant.
Genome position (GRCh38, 1-based): chr7:82,805,809, G>C on the plus strand (C>G on the coding strand, the complement: PCLO is on the minus strand). VCF-style: chr7-82805809-G-C. GRCh37 (hg19) VCF-style: chr7-82435125-G-C.
Other names: short protein forms P4938A.
Identifiers: ClinVar variation 1996606 (VCV001996606.2), dbSNP rs2535213060, ClinGen allele CA368018665.
Genomic context (GRCh38, chr7:82,805,809, plus strand): 5'-CGCTATACCCACTGCCAAAGCTGCTGCCCGAGGAGCCGGTGGACACAGAGCTTTCTGCAG[G>C]CCGGTGATTGGGAGGCTTTGCTGCATGGTGTGGGAAGATTCAACACCACAGTCAATAAAT-3'
Protein context (NP_149015.2, residues 4928-4948): IQPTKPPNHR[Pro4938Ala]AESSVSTGSS